The following is an entry in ClinVar:

ClinVar aggregate classification (germline): Uncertain significance. Review status: criteria provided, multiple submitters, no conflicts (2 of 4 stars). 2 submissions from 2 submitters: Uncertain significance (2). Last evaluated 2023-12-18.

Submissions (2):

Labcorp Genetics (formerly Invitae), Labcorp
Classification: Uncertain significance. Last evaluated: 2023-12-18. Review status: criteria provided, single submitter. Criteria: Invitae Variant Classification Sherloc (09022015). Collection method: clinical testing. Allele origin: germline.
Comment: This sequence change replaces asparagine, which is neutral and polar, with histidine, which is basic and polar, at codon 314 of the HYOU1 protein (p.Asn314His). This variant is not present in population databases (gnomAD no frequency). This variant has not been reported in the literature in individuals affected with HYOU1-related conditions. An algorithm developed to predict the effect of missense changes on protein structure and function (PolyPhen-2) suggests that this variant is likely to be tolerated. In summary, the available evidence is currently insufficient to determine the role of this variant in disease. Therefore, it has been classified as a Variant of Uncertain Significance.

Blueprint Genetics
Classification: Uncertain significance. Last evaluated: 2020-07-24. Review status: criteria provided, single submitter. Criteria: ACMG Guidelines, 2015. Collection method: clinical testing. Allele origin: germline.

NM_006389.5(HYOU1):c.940A>C (p.Asn314His)

Gene: HYOU1 (hypoxia up-regulated 1; minus strand). Cytogenetic location: 11q23.3.
Variant type: single nucleotide variant.
Coding change: c.940A>C on transcript NM_006389.5 (MANE Select); coding-DNA position 940, A replaced by C.
Protein change: p.Asn314His; replaces asparagine 314 with histidine.
Molecular consequence: missense variant.
Genome position (GRCh38, 1-based): chr11:119,052,684, T>G on the plus strand (A>C on the coding strand, the complement: HYOU1 is on the minus strand). VCF-style: chr11-119052684-T-G. GRCh37 (hg19) VCF-style: chr11-118923396-T-G.
Other names: c.940A>C, p.Asn314His (NM_001130991.3, NM_001411041.1); short protein forms N314H.
Identifiers: ClinVar variation 2770187 (VCV002770187.4), dbSNP rs2497175626, ClinGen allele CA382943720.